The following is an entry in ClinVar:

ClinVar aggregate classification (germline): Likely benign. Review status: criteria provided, multiple submitters, no conflicts (2 of 4 stars). 2 submissions from 2 submitters: Likely benign (2). Last evaluated 2026-01-27.

Conditions:
RFT1-congenital disorder of glycosylation (CDG1N). Also called: Congenital disorder of glycosylation type In; CDG In; RFT1-CDG. Identifiers: Orphanet 244310, MedGen C2677590, MONDO:0012783, OMIM 612015.

Allele frequency attached by ClinVar (database versions not stated): gnomAD 0.00001 and 0.00002; TOPMed 0.00003; gnomAD exomes 0.00004 and 0.00006; ExAC 0.00007; 1000 Genomes Project 30x 0.00016; 1000 Genomes Project 0.00020.
gnomAD v4.1: 56 of 1,598,062 alleles (0.0035%); highest among the groups gnomAD compares: Middle Eastern, 0.15%; 1 homozygote.

Submissions (2):

Labcorp Genetics (formerly Invitae), Labcorp
Classification: Likely benign for RFT1-congenital disorder of glycosylation. Last evaluated: 2026-01-27. Review status: criteria provided, single submitter. Criteria: Invitae Variant Classification Sherloc (09022015). Collection method: clinical testing. Allele origin: germline.

GeneDx
Classification: Likely benign. Last evaluated: 2017-03-21. Review status: criteria provided, single submitter. Criteria: GeneDx Variant Classification (06012015). Collection method: clinical testing. Allele origin: germline. Affected: yes.
Comment: This variant is considered likely benign or benign based on one or more of the following criteria: it is a conservative change, it occurs at a poorly conserved position in the protein, it is predicted to be benign by multiple in silico algorithms, and/or has population frequency not consistent with disease.

NM_052859.4(RFT1):c.573A>C (p.Thr191=)

Gene: RFT1 (RFT1 glycolipid translocator homolog; minus strand). Cytogenetic location: 3p21.1.
Variant type: single nucleotide variant.
Coding change: c.573A>C on transcript NM_052859.4 (MANE Select); coding-DNA position 573, A replaced by C.
Protein change: p.Thr191=; no amino-acid change (threonine 191 retained).
Molecular consequence: synonymous variant.
Genome position (GRCh38, 1-based): chr3:53,120,007, T>G on the plus strand (A>C on the coding strand, the complement: RFT1 is on the minus strand). VCF-style: chr3-53120007-T-G. GRCh37 (hg19) VCF-style: chr3-53154023-T-G.
Identifiers: ClinVar variation 507944 (VCV000507944.9), dbSNP rs528184485, ClinGen allele CA2451405.